The following is an entry in ClinVar:

NM_207352.4(CYP4V2):c.1307C>G (p.Pro436Arg)

Gene: CYP4V2 (cytochrome P450 family 4 subfamily V member 2; plus strand). Cytogenetic location: 4q35.2.
Variant type: single nucleotide variant.
Coding change: c.1307C>G on transcript NM_207352.4 (MANE Select); coding-DNA position 1307, C replaced by G.
Protein change: p.Pro436Arg; replaces proline 436 with arginine.
Molecular consequence: missense variant.
Genome position (GRCh38, 1-based): chr4:186,209,174, C>G. VCF-style: chr4-186209174-C-G. GRCh37 (hg19) VCF-style: chr4-187130328-C-G.
Other names: short protein forms P436R.
Identifiers: ClinVar variation 2040921 (VCV002040921.4), dbSNP rs1736630310, ClinGen allele CA358950513.

ClinVar aggregate classification (germline): Uncertain significance (1 of 4 stars; one submission).

Allele frequency attached by ClinVar (database versions not stated): gnomAD exomes below 0.00001.
gnomAD v4.1: 1 of 1,614,112 alleles (0.000062%); highest among the groups gnomAD compares: Non-Finnish European, 0.000085%; no homozygotes.

Submission:

Labcorp Genetics (formerly Invitae), Labcorp
Classification: Uncertain significance. Last evaluated: 2022-07-05. Review status: criteria provided, single submitter. Criteria: Invitae Variant Classification Sherloc (09022015). Collection method: clinical testing. Allele origin: germline.
Comment: This variant is not present in population databases (gnomAD no frequency). This sequence change replaces proline, which is neutral and non-polar, with arginine, which is basic and polar, at codon 436 of the CYP4V2 protein (p.Pro436Arg). In summary, the available evidence is currently insufficient to determine the role of this variant in disease. Therefore, it has been classified as a Variant of Uncertain Significance. Advanced modeling of protein sequence and biophysical properties (such as structural, functional, and spatial information, amino acid conservation, physicochemical variation, residue mobility, and thermodynamic stability) performed at Invitae indicates that this missense variant is expected to disrupt CYP4V2 protein function. This variant has not been reported in the literature in individuals affected with CYP4V2-related conditions.